The following is an entry in ClinVar:

ClinVar aggregate classification (germline): Uncertain significance (1 of 4 stars; one submission).

Submission:

GeneDx
Classification: Uncertain significance. Last evaluated: 2023-01-04. Review status: criteria provided, single submitter. Criteria: GeneDx Variant Classification Process June 2021. Collection method: clinical testing. Allele origin: germline. Affected: yes.
Comment: Published functional studies demonstrate a damaging effect: decreased phosphorylation, transactivation, and ability to regulate E-cadherin binding (Roura et al., 1999; Gujral et al., 2008; Nakayama et al., 2014); Not observed at significant frequency in large population cohorts (gnomAD); In silico analysis supports that this missense variant has a deleterious effect on protein structure/function; This variant is associated with the following publications: (PMID: 27368802, 24504337, 20840866, 25164010, 18316596, 18245266, 16952352, 29103954, 10593980, Lade2011[review], 33292105, 36531949)

NM_001904.4(CTNNB1):c.1961A>T (p.Tyr654Phe)

Gene: CTNNB1 (catenin beta 1; plus strand). Cytogenetic location: 3p22.1.
Variant type: single nucleotide variant.
Coding change: c.1961A>T on transcript NM_001904.4 (MANE Select); coding-DNA position 1961, A replaced by T.
Protein change: p.Tyr654Phe; replaces tyrosine 654 with phenylalanine.
Molecular consequence: missense variant.
Genome position (GRCh38, 1-based): chr3:41,236,594, A>T. VCF-style: chr3-41236594-A-T. GRCh37 (hg19) VCF-style: chr3-41278085-A-T.
Other names: c.1961A>T, p.Tyr654Phe (NM_001098209.2, NM_001098210.2); c.1940A>T, p.Tyr647Phe (NM_001330729.2); short protein forms Y654F, Y647F.
Identifiers: ClinVar variation 1810681 (VCV001810681.1), dbSNP rs2125646868, ClinGen allele CA352236438.